The following is an entry in ClinVar:

ClinVar aggregate classification (germline): Uncertain significance (1 of 4 stars; one submission).

Conditions:
Propionic acidemia (PROP). Also called: GLYCINEMIA, KETOTIC; HYPERGLYCINEMIA WITH KETOACIDOSIS AND LEUKOPENIA; KETOTIC HYPERGLYCINEMIA. Identifiers: Orphanet 35, MedGen C0268579, MONDO:0011628, OMIM 606054, HP:0003571.

Submission:

Labcorp Genetics (formerly Invitae), Labcorp
Classification: Uncertain significance for Propionic acidemia. Last evaluated: 2022-01-12. Review status: criteria provided, single submitter. Criteria: Invitae Variant Classification Sherloc (09022015). Collection method: clinical testing. Allele origin: germline.
Comment: This sequence change falls in intron 1 of the PCCB gene. It does not directly change the encoded amino acid sequence of the PCCB protein. This variant is present in population databases (no rsID available, gnomAD 0.003%). This variant has not been reported in the literature in individuals affected with PCCB-related conditions. Algorithms developed to predict the effect of sequence changes on RNA splicing suggest that this variant may create or strengthen a splice site. In summary, the available evidence is currently insufficient to determine the role of this variant in disease. Therefore, it has been classified as a Variant of Uncertain Significance.

NM_000532.5(PCCB):c.183+11_183+30dup

Gene: PCCB (propionyl-CoA carboxylase subunit beta; plus strand). Cytogenetic location: 3q22.3.
Variant type: Duplication.
Coding change: c.183+11_183+30dup on transcript NM_000532.5 (MANE Select); bases 11 to 30 of the intron after coding-DNA position 183, 20 bases duplicated (AGGGGCCTAAGTGAGTCCCG).
Molecular consequence: intron variant.
Genome position (GRCh38, 1-based): chr3:136,250,569-136,250,588, AGGGGCCTAAGTGAGTCCCG duplicated; duplicating any 20 consecutive bases within chr3:136,250,568-136,250,588 gives the same sequence; the c. name uses the placement nearest the transcript's 3' end. VCF-style (leftmost placement, unchanged base first): chr3-136250567-T-TGAGGGGCCTAAGTGAGTCCC. GRCh37 (hg19) VCF-style: chr3-135969409-T-TGAGGGGCCTAAGTGAGTCCC.
Other names: c.183+11_183+30dup (NM_001178014.2).
Identifiers: ClinVar variation 1503848 (VCV001503848.3), dbSNP rs1205510892, ClinGen allele CA546894780.
Genomic context (GRCh38, chr3:136,250,567, plus strand): 5'-GACCGCGCTGCTGGGAGGGGGCCAACGCCGTATTGACGCGCAGCACAAGCGAGTGAGTCC[T>TGAGGGGCCTAAGTGAGTCCC]GAGGGGCCTAAGTGAGTCCCGCCCCTGGCGTCCGCGACCTATCACTGCGTGCCCGGCTTG-3'